The following is an entry in ClinVar:

NM_030662.4(MAP2K2):c.1047-391C>T

Gene: MAP2K2 (mitogen-activated protein kinase kinase 2; minus strand). Cytogenetic location: 19p13.3.
Variant type: single nucleotide variant.
Coding change: c.1047-391C>T on transcript NM_030662.4 (MANE Select); 391 bases into the intron before coding-DNA position 1047, C replaced by T.
Molecular consequence: intron variant.
Genome position (GRCh38, 1-based): chr19:4,094,889, G>A on the plus strand (C>T on the coding strand, the complement: MAP2K2 is on the minus strand). VCF-style: chr19-4094889-G-A. GRCh37 (hg19) VCF-style: chr19-4094887-G-A.
Identifiers: ClinVar variation 1711459 (VCV001711459.30), dbSNP rs116856574, ClinGen allele CA304447318.

ClinVar aggregate classification (germline): Likely benign (1 of 4 stars; one submission).

Allele frequency attached by ClinVar (database versions not stated): 1000 Genomes Project 0.00220; 1000 Genomes Project 30x 0.00265; gnomAD 0.00433; gnomAD exomes 0.00477; TOPMed 0.00488.
gnomAD v4.1: 1,766 of 384,464 alleles (0.46%); highest among the groups gnomAD compares: Admixed American, 0.76%; 8 homozygotes.

Submission:

CeGaT Center for Human Genetics Tuebingen
Classification: Likely benign. Last evaluated: 2023-06-01. Review status: criteria provided, single submitter. Criteria: CeGaT Center For Human Genetics Tuebingen Variant Classification Criteria Version 2. Collection method: clinical testing. Allele origin: germline. Affected: yes. Observed: 11 variant alleles.
Comment: MAP2K2: BS2